The following is an entry in ClinVar:

NM_001256317.3(TMPRSS3):c.1049-121A>T

Gene: TMPRSS3 (transmembrane serine protease 3; minus strand). Cytogenetic location: 21q22.3.
Variant type: single nucleotide variant.
Coding change: c.1049-121A>T on transcript NM_001256317.3 (MANE Select); 121 bases into the intron before coding-DNA position 1049, A replaced by T.
Molecular consequence: intron variant.
Genome position (GRCh38, 1-based): chr21:42,376,804, T>A on the plus strand (A>T on the coding strand, the complement: TMPRSS3 is on the minus strand). VCF-style: chr21-42376804-T-A. GRCh37 (hg19) VCF-style: chr21-43796913-T-A.
Other names: NC_000021.8:g.43796913T>A; c.1049-118A>T (NM_024022.4); c.668-118A>T (NM_032404.3).
Identifiers: ClinVar variation 1272901 (VCV001272901.3), dbSNP rs1078272, ClinGen allele CA14880880.

ClinVar aggregate classification (germline): Benign. Review status: criteria provided, multiple submitters, no conflicts (2 of 4 stars). 2 submissions from 2 submitters: Benign (2). Last evaluated 2019-04-09.

Allele frequency attached by ClinVar (database versions not stated): gnomAD exomes 0.45931; gnomAD 0.56631 and 0.57022; TOPMed 0.58716; 1000 Genomes Project 0.61641; 1000 Genomes Project 30x 0.62242.
gnomAD v4.1: 692,878 of 1,469,264 alleles (47%); highest among the groups gnomAD compares: African/African-American, 87%; 171,255 homozygotes.

Submissions (4):

GeneDx
Classification: Benign. Last evaluated: 2019-04-09. Review status: criteria provided, single submitter. Criteria: GeneDx Variant Classification Process June 2021. Collection method: clinical testing. Allele origin: germline. Affected: yes.
Comment: This variant is associated with the following publications: (PMID: 25298020)

Breakthrough Genomics
Classification: Benign. Review status: criteria provided, single submitter. Criteria: ACMG Guidelines, 2015. Collection method: not provided. Allele origin: germline. Inheritance: Autosomal recessive inheritance. Affected: yes.

Dr. Peter K. Rogan Lab, Western University
No classification provided (evidence only). Condition: Cholangiocarcinoma. Review status: no classification provided. Collection method: in vitro. Allele origin: not applicable. Functional consequence: skipped exon. Not counted in ClinVar's aggregate classification.

Dr. Peter K. Rogan Lab, Western University
No classification provided (evidence only). Condition: Cholangiocarcinoma. Review status: no classification provided. Collection method: in vitro. Allele origin: not applicable. Functional consequence: retained intron. Not counted in ClinVar's aggregate classification.